The following is an entry in ClinVar:

NM_020338.4(ZMIZ1):c.3149C>G (p.Pro1050Arg)

Gene: ZMIZ1 (zinc finger MIZ-type containing 1; plus strand). Cytogenetic location: 10q22.3.
Variant type: single nucleotide variant.
Coding change: c.3149C>G on transcript NM_020338.4 (MANE Select); coding-DNA position 3149, C replaced by G.
Protein change: p.Pro1050Arg; replaces proline 1050 with arginine.
Molecular consequence: missense variant.
Genome position (GRCh38, 1-based): chr10:79,312,694, C>G. VCF-style: chr10-79312694-C-G. GRCh37 (hg19) VCF-style: chr10-81072451-C-G.
Other names: short protein forms P1050R.
Identifiers: ClinVar variation 2797867 (VCV002797867.3), dbSNP rs758947458, ClinGen allele CA377345795.

ClinVar aggregate classification (germline): Uncertain significance (1 of 4 stars; one submission).

Submission:

Labcorp Genetics (formerly Invitae), Labcorp
Classification: Uncertain significance. Last evaluated: 2024-10-15. Review status: criteria provided, single submitter. Criteria: Invitae Variant Classification Sherloc (09022015). Collection method: clinical testing. Allele origin: germline.
Comment: This sequence change replaces proline, which is neutral and non-polar, with arginine, which is basic and polar, at codon 1050 of the ZMIZ1 protein (p.Pro1050Arg). This variant is not present in population databases (gnomAD no frequency). This variant has not been reported in the literature in individuals affected with ZMIZ1-related conditions. Invitae Evidence Modeling of protein sequence and biophysical properties (such as structural, functional, and spatial information, amino acid conservation, physicochemical variation, residue mobility, and thermodynamic stability) has been performed for this missense variant. However, the output from this modeling did not meet the statistical confidence thresholds required to predict the impact of this variant on ZMIZ1 protein function. In summary, the available evidence is currently insufficient to determine the role of this variant in disease. Therefore, it has been classified as a Variant of Uncertain Significance.